The following is an entry in ClinVar:

ClinVar aggregate classification (germline): Pathogenic. Review status: reviewed by expert panel (3 of 4 stars). 10 submissions from 10 submitters: Pathogenic (1). 9 of the submissions do not count toward it. Last evaluated 2016-09-08.

Conditions:
Hereditary cancer-predisposing syndrome. Also called: Tumor predisposition; Neoplastic Syndromes, Hereditary; Hereditary Cancer Syndrome; Hereditary neoplastic syndrome. Identifiers: Orphanet 140162, MedGen C0027672, MeSH D009386, MONDO:0015356.
Hereditary breast ovarian cancer syndrome. Also called: Hereditary breast and ovarian cancer syndrome (HBOC); Hereditary breast and ovarian cancer syndrome; Hereditary breast and ovarian cancer; Hereditary breast and/or ovarian cancer syndrome; Breast and ovarian cancer; BRCA1- and BRCA2-Associated Hereditary Breast and Ovarian Cancer. Identifiers: Orphanet 145, MedGen C0677776, MeSH D061325, MONDO:0003582. Disease mechanism: loss of function.
Malignant tumor of urinary bladder. Also called: Bladder cancer; Urinary bladder cancer; Urinary Bladder Neoplasms. Identifiers: MedGen C0005684, MONDO:0001187, OMIM 109800.
Breast-ovarian cancer, familial, susceptibility to, 1 (BROVCA1). Also called: OVARIAN CANCER, SUSCEPTIBILITY TO; BRCA1 Hereditary Breast and Ovarian Cancer. Identifiers: Orphanet 145, MedGen C2676676, MONDO:0011450, OMIM 604370. Disease mechanism: loss of function.
Malignant tumor of breast. Also called: Malignant breast neoplasm; Cancer breast. Identifiers: MedGen C0006142, MONDO:0007254. Disease mechanism: loss of function.

Submissions (10):

Evidence-based Network for the Interpretation of Germline Mutant Alleles (ENIGMA)
Classification: Pathogenic for Breast-ovarian cancer, familial, susceptibility to, 1. Last evaluated: 2016-09-08. Review status: reviewed by expert panel. Criteria: ENIGMA BRCA1/2 Classification Criteria (2015). Collection method: curation. Allele origin: germline.
Comment: Variant allele predicted to encode a truncated non-functional protein.

Labcorp Genetics (formerly Invitae), Labcorp
Classification: Pathogenic for Hereditary breast ovarian cancer syndrome. Last evaluated: 2025-04-24. Review status: criteria provided, single submitter. Criteria: Invitae Variant Classification Sherloc (09022015). Collection method: clinical testing. Allele origin: germline. Not counted in ClinVar's aggregate classification.
Comment: This sequence change creates a premature translational stop signal (p.Gln1096*) in the BRCA1 gene. It is expected to result in an absent or disrupted protein product. Loss-of-function variants in BRCA1 are known to be pathogenic (PMID: 20104584). This variant is not present in population databases (gnomAD no frequency). This premature translational stop signal has been observed in individual(s) with breast and ovarian cancer (PMID: 15617999, 25682074, 27157322). ClinVar contains an entry for this variant (Variation ID: 54818). For these reasons, this variant has been classified as Pathogenic.

Ambry Genetics
Classification: Pathogenic for Hereditary cancer-predisposing syndrome. Last evaluated: 2023-03-27. Review status: criteria provided, single submitter. Criteria: Ambry Variant Classification Scheme 2023. Collection method: clinical testing. Allele origin: germline. Not counted in ClinVar's aggregate classification.
Comment: The p.Q1096* pathogenic mutation (also known as c.3286C>T), located in coding exon 9 of the BRCA1 gene, results from a C to T substitution at nucleotide position 3286. This changes the amino acid from a glutamine to a stop codon within coding exon 9. This mutation has been reported in two individuals with a personal history of epithelial ovarian cancer and triple-negative breast cancer, respectively (Wong-Brown MW et al. Breast Cancer Res. Treat. 2015 Feb;150(1):71-80; Majdak EJ et al. Eur. J. Cancer 2005 Jan;41(1):143-50). In addition to the clinical data presented in the literature, this alteration is expected to result in loss of function by premature protein truncation or nonsense-mediated mRNA decay. As such, this alteration is interpreted as a disease-causing mutation.

MGZ Medical Genetics Center
Classification: Pathogenic for Breast-ovarian cancer, familial, susceptibility to, 1. Last evaluated: 2021-10-01. Review status: criteria provided, single submitter. Criteria: ACMG Guidelines, 2015. Collection method: clinical testing. Allele origin: germline. Affected: yes. Observed: 1 variant allele. Not counted in ClinVar's aggregate classification.
Comment: ACMG criteria applied: PVS1, PS4, PM2_SUP, PP4

GeneDx
Classification: Pathogenic. Last evaluated: 2020-05-22. Review status: criteria provided, single submitter. Criteria: GeneDx Variant Classification Process June 2021. Collection method: clinical testing. Allele origin: germline. Affected: yes. Not counted in ClinVar's aggregate classification.
Comment: Nonsense variant predicted to result in protein truncation or nonsense mediated decay in a gene for which loss-of-function is a known mechanism of disease; Truncating variants in this gene are considered pathogenic by a well-established clinical consortium and/or database; Not observed in large population cohorts (Lek 2016); Also known as BRCA1 c.3405C>T; This variant is associated with the following publications: (PMID: 12181777, 15617999, 26083025, 25682074, 25525159, 25722380, 26187060, 28294317, 29446198, 30702160, 31825140, 32885271)

Consortium of Investigators of Modifiers of BRCA1/2 (CIMBA), c/o University of Cambridge
Classification: Pathogenic for Breast-ovarian cancer, familial, susceptibility to, 1. Last evaluated: 2015-10-02. Review status: criteria provided, single submitter. Criteria: CIMBA Mutation Classification guidelines May 2016. Collection method: clinical testing. Allele origin: germline. Not counted in ClinVar's aggregate classification.

KCCC/NGS Laboratory, Kuwait Cancer Control Center
Classification: Pathogenic for Breast-ovarian cancer, familial, susceptibility to, 1. Last evaluated: 2023-05-05. Review status: no assertion criteria provided. Collection method: clinical testing. Allele origin: germline. Affected: yes. Not counted in ClinVar's aggregate classification.
Comment: A known pathogenic mutation was detected in the BRCA1 gene (c.3286C>T). This sequence change creates a premature translational stop signal (p.Gln1096*) in the BRCA1 gene. It is expected to result in an absent or disrupted protein product. This variant is not present in gnomAD genomes. This variant has been reported in individuals affected with breast and ovarian cancer (PMID: 15617999, 25682074, 27157322). In-silico predictions show pathogenic computational verdict based on 5 pathogenic predictions from BayesDel_addAF, DANN, EIGEN, FATHMM-MKL and MutationTaster vs no benign predictions.This variant is also known as c.3405C>T in the literature. ClinVar contains an entry for this variant (Variation ID: 54818) with 8 submissions all of which describe it as pathogenic, 3 stars, reviewed by expert panel. Loss-of-function variants in BRCA1 are known to be pathogenic (PMID: 20104584). For these reasons, this variant has been classified as Pathogenic.

Breast Cancer Information Core (BIC) (BRCA1)
Classification: Pathogenic for Breast-ovarian cancer, familial 1. Last evaluated: 2002-05-29. Review status: no assertion criteria provided. Collection method: clinical testing. Allele origin: germline. Affected: yes. Observed: 1 variant allele. Not counted in ClinVar's aggregate classification.

Department of Pathology and Laboratory Medicine, Sinai Health System
Classification: Pathogenic for Malignant tumor of breast. Review status: no assertion criteria provided. Collection method: clinical testing. Allele origin: unknown. Affected: yes. Study: The Canadian Open Genetics Repository (COGR). Not counted in ClinVar's aggregate classification.
Comment: BRCA1, EXON11, c.3286C>T, p.Gln1096X, Heterozygous, PathogenicrnThe BRCA1 p.Gln1096X variant was identified in 3 of 2880 proband chromosomes (frequency: 0.001) from individuals or families with breast and ovarian cancer and was not identified in 400 control chromosomes from healthy individuals (Liede 2002, Majdak 2005, Wong-Brown 2015). The variant was also identified in the following databases: dbSNP (ID: rs80357485) as "With Pathogenic allele", ClinVar (5x pathogenic), Clinvitae (2x pathogenic), LOVD 3.0 (1x), UMD-LSDB (1x causal), BIC Database (1x pathogenic), and ARUP Laboratories. The variant was not identified in the COGR, Cosmic, MutDB, or the Zhejiang Colon Cancer Database. The variant was identified in control databases in 1 of 245392 chromosomes at a frequency of 0.000004 (Genome Aggregation Database Feb 27, 2017). It was observed in the East Asian population in 1 of 17248 chromosomes (freq: 0.00006), but not in the African, Ashkenazi Jewish, European (Finnish), European (Non-Finnish), Latino, Other, and South Asian populations. The c.3286C>T variant leads to a premature stop codon at position 1096 which is predicted to lead to a truncated or absent protein and loss of function. Loss of function variants of the BRCA1 gene are an established mechanism of disease in hereditary breast and ovarian cancer and is the type of variant expected to cause the disorder. In summary, based on the above information this variant meets our laboratoryâ€šÃ„Ã´s criteria to be classified as pathogenic.

Laboratory of Urology, Hospital Clinic de Barcelona
Classification: Pathogenic for Malignant tumor of urinary bladder. Review status: no assertion criteria provided. Collection method: research. Allele origin: somatic. Affected: yes. Not counted in ClinVar's aggregate classification.

Literature cited by the submitters: PubMed 20104584 (cited by Labcorp Genetics (formerly Invitae), Labcorp and KCCC/NGS Laboratory, Kuwait Cancer Control Center); PubMed 15617999 (cited by Labcorp Genetics (formerly Invitae), Labcorp); PubMed 25682074 (cited by Labcorp Genetics (formerly Invitae), Labcorp); PubMed 27157322 (cited by Labcorp Genetics (formerly Invitae), Labcorp).

NM_007294.4(BRCA1):c.3286C>T (p.Gln1096Ter)

Genes: BRCA1 (BRCA1 DNA repair associated; minus strand), LOC126862571 (BRD4-independent group 4 enhancer GRCh37_chr17:41243136-41244335; plus strand). Cytogenetic location: 17q21.31.
Variant type: single nucleotide variant.
Coding change: c.3286C>T on transcript NM_007294.4 (MANE Select); coding-DNA position 3286, C replaced by T.
Protein change: p.Gln1096Ter; replaces glutamine 1096 with a stop codon.
Molecular consequence: nonsense. On other transcripts: intron variant (137).
Genome position (GRCh38, 1-based): chr17:43,092,245, G>A on the plus strand (C>T on the coding strand, the complement: BRCA1 is on the minus strand). VCF-style: chr17-43092245-G-A. GRCh37 (hg19) VCF-style: chr17-41244262-G-A.
Other names: c.3145C>T, p.Gln1049Ter (NM_001407752.1, NM_001407850.1, NM_001407851.1 and 29 more transcripts); c.3142C>T, p.Gln1048Ter (NM_001407838.1, NM_001407839.1, NM_001407841.1 and 20 more transcripts); c.3073C>T, p.Gln1025Ter (NM_001407853.1, NM_001407894.1, NM_001407895.1 and 9 more transcripts); c.3286C>T, p.Gln1096Ter (NM_001407854.1, NM_001407858.1, NM_001407859.1 and 30 more transcripts); c.3283C>T, p.Gln1095Ter (NM_001407860.1, NM_001407861.1, NM_001407587.1 and 22 more transcripts); c.3085C>T, p.Gln1029Ter (NM_001407862.1); c.3163C>T, p.Gln1055Ter (NM_001407863.1, NM_001407919.1, NM_001407937.1 and 19 more transcripts); c.3082C>T, p.Gln1028Ter (NM_001407874.1, NM_001407875.1); and 42 more; short protein forms Q1096*, Q1049*, Q1055*, Q1007*, Q1070*, Q1093*, Q928*, Q968*.
Identifiers: ClinVar variation 54818 (VCV000054818.24), dbSNP rs80357485, ClinGen allele CA002118.
Genomic context (GRCh38, chr17:43,092,245, plus strand): 5'-CTTCTTCATATTCTTGCTTTTTTATTTCAGGATGCTTACAATTACTTCCAGGAAGACTTT[G>A]TTTATAGACCTCAGGTTGCAAAACCCCTAATCTAAGCATAGCATTCAATTTTGGCCCTCT-3'